The following is an entry in ClinVar:

NM_018489.3(ASH1L):c.8288G>A (p.Cys2763Tyr)

Gene: ASH1L (ASH1 like histone lysine methyltransferase; minus strand). Cytogenetic location: 1q22.
Variant type: single nucleotide variant.
Coding change: c.8288G>A on transcript NM_018489.3 (MANE Select); coding-DNA position 8288, G replaced by A.
Protein change: p.Cys2763Tyr; replaces cysteine 2763 with tyrosine.
Molecular consequence: missense variant.
Genome position (GRCh38, 1-based): chr1:155,343,319, C>T on the plus strand (G>A on the coding strand, the complement: ASH1L is on the minus strand). VCF-style: chr1-155343319-C-T. GRCh37 (hg19) VCF-style: chr1-155313110-C-T.
Other names: c.8303G>A, p.Cys2768Tyr (NM_001366177.2); short protein forms C2763Y, C2768Y.
Identifiers: ClinVar variation 4795321 (VCV004795321.1).

ClinVar aggregate classification (germline): Uncertain significance (1 of 4 stars; one submission).

Submission:

GeneDx
Classification: Uncertain significance. Last evaluated: 2025-08-16. Review status: criteria provided, single submitter. Criteria: GeneDx Variant Classification Process June 2021. Collection method: clinical testing. Allele origin: germline. Affected: yes.
Comment: Not observed at significant frequency in large population cohorts (gnomAD); In silico analysis supports that this missense variant has a deleterious effect on protein structure/function; Has not been previously published as pathogenic or benign to our knowledge